The following is an entry in ClinVar:

NM_020408.6(LYRM4):c.207+29679C>T

Genes: LYRM4 (LYR motif containing 4; minus strand), LYRM4-AS1 (LYRM4 antisense RNA 1; plus strand). Cytogenetic location: 6p25.1.
Variant type: single nucleotide variant.
Coding change: c.207+29679C>T on transcript NM_020408.6 (MANE Select); 29679 bases into the intron after coding-DNA position 207, C replaced by T.
Molecular consequence: intron variant. On other transcripts: synonymous variant (1).
Genome position (GRCh38, 1-based): chr6:5,186,939, G>A on the plus strand (C>T on the coding strand, the complement: LYRM4 is on the minus strand). VCF-style: chr6-5186939-G-A. GRCh37 (hg19) VCF-style: chr6-5187173-G-A.
Other names: c.249C>T, p.Asn83= (NM_001164840.3); c.207+29679C>T (NM_001318783.1, NM_001164841.3, NM_001318782.1).
Identifiers: ClinVar variation 4822395 (VCV004822395.4).

ClinVar aggregate classification (germline): Likely benign (1 of 4 stars; one submission).

Submission:

CeGaT Center for Human Genetics Tuebingen
Classification: Likely benign. Last evaluated: 2026-01-01. Review status: criteria provided, single submitter. Criteria: CeGaT Center For Human Genetics Tuebingen Variant Classification Criteria Version 2. Collection method: clinical testing. Allele origin: germline. Affected: yes. Observed: 1 variant allele.
Comment: LYRM4: BP4, BP7